The following is an entry in ClinVar:

ClinVar aggregate classification (germline): Benign. Review status: criteria provided, multiple submitters, no conflicts (2 of 4 stars). 3 submissions from 3 submitters: Benign (2). 1 of the submissions does not count toward it. Last evaluated 2018-06-26.

Allele frequency attached by ClinVar (database versions not stated): gnomAD 0.19080; ESP Exome Variant Server 0.19812; 1000 Genomes Project 0.20048; TOPMed 0.20099.
gnomAD v4.1: 141,707 of 1,607,320 alleles (8.8%); highest among the groups gnomAD compares: African/African-American, 48%; 13,351 homozygotes.

Submissions (3):

GeneDx
Classification: Benign. Last evaluated: 2018-06-26. Review status: criteria provided, single submitter. Criteria: GeneDx Variant Classification Process June 2021. Collection method: clinical testing. Allele origin: germline. Affected: yes.

Breakthrough Genomics
Classification: Benign. Review status: criteria provided, single submitter. Criteria: ACMG Guidelines, 2015. Collection method: not provided. Allele origin: germline. Inheritance: Autosomal dominant inheritance. Affected: yes.

Genetic Services Laboratory, University of Chicago
Classification: Likely benign. Review status: no assertion criteria provided. Collection method: clinical testing. Allele origin: germline. Inheritance: Autosomal dominant inheritance. Not counted in ClinVar's aggregate classification.
Comment: Likely benign based on allele frequency in 1000 Genomes Project or ESP global frequency and its presence in a patient with a rare or unrelated disease phenotype. NOT Sanger confirmed

NM_006086.4(TUBB3):c.58-22C>T

Gene: TUBB3 (tubulin beta 3 class III; plus strand). Cytogenetic location: 16q24.3.
Variant type: single nucleotide variant.
Coding change: c.58-22C>T on transcript NM_006086.4 (MANE Select); 22 bases into the intron before coding-DNA position 58, C replaced by T.
Molecular consequence: intron variant.
Genome position (GRCh38, 1-based): chr16:89,932,549, C>T. VCF-style: chr16-89932549-C-T. GRCh37 (hg19) VCF-style: chr16-89998957-C-T.
Other names: c.-159-22C>T (NM_001197181.2).
Identifiers: ClinVar variation 160192 (VCV000160192.10), dbSNP rs2302897, ClinGen allele CA173794.